The following is an entry in ClinVar:

ClinVar aggregate classification (germline): Likely benign (1 of 4 stars; one submission).

Conditions:
EPPK1-related disorder. Also called: EPPK1-related condition.

gnomAD v4.1: 1 of 1,576,858 alleles (0.000063%); highest among the groups gnomAD compares: Non-Finnish European, 0.000086%; no homozygotes.

Submission:

PreventionGenetics, part of Exact Sciences
Classification: Likely benign for EPPK1-related condition. Last evaluated: 2026-03-04. Review status: criteria provided, single submitter. Criteria: ACMG Guidelines, 2015. Collection method: clinical testing. Allele origin: germline.
Comment: This variant is classified as likely benign based on ACMG/AMP sequence variant interpretation guidelines (Richards et al. 2015 PMID: 25741868, with internal and published modifications).

NM_031308.4(EPPK1):c.250C>T (p.Leu84=)

Gene: EPPK1 (epiplakin 1; minus strand). Cytogenetic location: 8q24.3.
Variant type: single nucleotide variant.
Coding change: c.250C>T on transcript NM_031308.4 (MANE Select); coding-DNA position 250, C replaced by T.
Protein change: p.Leu84=; no amino-acid change (leucine 84 retained).
Molecular consequence: synonymous variant.
Genome position (GRCh38, 1-based): chr8:143,873,004, G>A on the plus strand (C>T on the coding strand, the complement: EPPK1 is on the minus strand). VCF-style: chr8-143873004-G-A. GRCh37 (hg19) VCF-style: chr8-144947172-G-A.
Identifiers: ClinVar variation 4979895 (VCV004979895.1).